The following is an entry in ClinVar:

ClinVar aggregate classification (germline): Conflicting classifications of pathogenicity. Review status: criteria provided, conflicting classifications (1 of 4 stars). 2 submissions from 2 submitters: Likely pathogenic (1); Uncertain significance (1). Last evaluated 2025-08-29.

Conditions:
Hypophosphatasia. Also called: Phosphoethanol-aminuria. Identifiers: Orphanet 436, MedGen C0020630, MeSH D007014, MONDO:0018570.

Submissions (2):

Genomenon, Inc
Classification: Uncertain significance for Hypophosphatasia. Last evaluated: 2025-08-29. Review status: criteria provided, single submitter. Criteria: Genomenon Sequence Variant Interpretation Standards. Collection method: curation. Allele origin: germline. Affected: yes.
Comment: ALPL p.Val431Ala (c.1292T>C) is a missense variant that changes the amino acid at residue 431 from Valine to Alanine. This variant has been observed in at least one proband affected with hypophosphatasia (PMID:26432670). It is absent or not present at a significant frequency in gnomAD. In silico models agree that this variant is possibly or probably damaging. In conclusion, we classify ALPL p.Val431Ala (c.1292T>C) as a variant of unknown significance.

Labcorp Genetics (formerly Invitae), Labcorp
Classification: Likely pathogenic. Last evaluated: 2024-08-31. Review status: criteria provided, single submitter. Criteria: Invitae Variant Classification Sherloc (09022015). Collection method: clinical testing. Allele origin: germline.
Comment: This sequence change replaces valine, which is neutral and non-polar, with alanine, which is neutral and non-polar, at codon 431 of the ALPL protein (p.Val431Ala). This variant is not present in population databases (gnomAD no frequency). This missense change has been observed in individual(s) with clinical features of hypophosphatasia and/or hypophosphatasia (PMID: 26432670; internal data). ClinVar contains an entry for this variant (Variation ID: 2202725). Invitae Evidence Modeling of protein sequence and biophysical properties (such as structural, functional, and spatial information, amino acid conservation, physicochemical variation, residue mobility, and thermodynamic stability) indicates that this missense variant is expected to disrupt ALPL protein function with a positive predictive value of 95%. This variant disrupts the p.Val431 amino acid residue in ALPL. Other variant(s) that disrupt this residue have been observed in individuals with ALPL-related conditions (PMID: 30929401), which suggests that this may be a clinically significant amino acid residue. In summary, the currently available evidence indicates that the variant is pathogenic, but additional data are needed to prove that conclusively. Therefore, this variant has been classified as Likely Pathogenic.

Literature cited by the submitters: PubMed 26432670 (cited by Genomenon, Inc and Labcorp Genetics (formerly Invitae), Labcorp); PubMed 30929401 (cited by Labcorp Genetics (formerly Invitae), Labcorp).

NM_000478.6(ALPL):c.1292T>C (p.Val431Ala)

Gene: ALPL (alkaline phosphatase, biomineralization associated; plus strand). Cytogenetic location: 1p36.12.
Variant type: single nucleotide variant.
Coding change: c.1292T>C on transcript NM_000478.6 (MANE Select); coding-DNA position 1292, T replaced by C.
Protein change: p.Val431Ala; replaces valine 431 with alanine.
Molecular consequence: missense variant.
Genome position (GRCh38, 1-based): chr1:21,576,624, T>C. VCF-style: chr1-21576624-T-C. GRCh37 (hg19) VCF-style: chr1-21903117-T-C.
Other names: c.1127T>C, p.Val376Ala (NM_001127501.4); c.1061T>C, p.Val354Ala (NM_001177520.3); c.1292T>C, p.Val431Ala (NM_001369803.2, NM_001369804.2, NM_001369805.2); short protein forms V376A, V354A, V431A.
Identifiers: ClinVar variation 2202725 (VCV002202725.5), dbSNP rs2545347691, ClinGen allele CA338881873.